The following is an entry in ClinVar:

ClinVar aggregate classification (germline): Uncertain significance (1 of 4 stars; one submission).

Submission:

Dasa
Classification: Uncertain significance. Last evaluated: 2026-06-06. Review status: criteria provided, single submitter. Criteria: DASA Assertion Criteria. Collection method: clinical testing. Allele origin: germline.
Comment: NM_001283009.2(RTEL1):c.2942A>C (p.Glu981Ala) is a missense variant that results in the substitution of glutamic acid with alanine. This variant is absent from population databases. Computational prediction algorithms are consistent with a benign effect. The currently available literature and clinical evidence are not sufficient to establish a definitive association between this variant and the reported condition. Therefore, this variant is classified as a variant of uncertain significance.

NM_001283009.2(RTEL1):c.2942A>C (p.Glu981Ala)

Genes: RTEL1 (regulator of telomere elongation helicase 1; plus strand), RTEL1-TNFRSF6B (RTEL1-TNFRSF6B readthrough (NMD candidate); plus strand). Cytogenetic location: 20q13.33.
Variant type: single nucleotide variant.
Coding change: c.2942A>C on transcript NM_001283009.2 (MANE Select); coding-DNA position 2942, A replaced by C.
Protein change: p.Glu981Ala; replaces glutamic acid 981 with alanine.
Molecular consequence: missense variant. On other transcripts: non-coding transcript variant (1).
Genome position (GRCh38, 1-based): chr20:63,693,233, A>C. VCF-style: chr20-63693233-A-C. GRCh37 (hg19) VCF-style: chr20-62324586-A-C.
Other names: c.2273A>C, p.Glu758Ala (NM_001283010.1); c.2942A>C, p.Glu981Ala (NM_016434.4); c.3014A>C, p.Glu1005Ala (NM_032957.5); short protein forms E1005A, E758A, E981A.
Identifiers: ClinVar variation 5020419 (VCV005020419.1).